The following is an entry in ClinVar:

NM_000051.4(ATM):c.1780G>T (p.Glu594Ter)

Gene: ATM (ATM serine/threonine kinase; plus strand). Cytogenetic location: 11q22.3.
Variant type: single nucleotide variant.
Coding change: c.1780G>T on transcript NM_000051.4 (MANE Select); coding-DNA position 1780, G replaced by T.
Protein change: p.Glu594Ter; replaces glutamic acid 594 with a stop codon.
Molecular consequence: nonsense.
Genome position (GRCh38, 1-based): chr11:108,252,009, G>T. VCF-style: chr11-108252009-G-T. GRCh37 (hg19) VCF-style: chr11-108122736-G-T.
Other names: c.1780G>T, p.Glu594Ter (NM_001351834.2); short protein forms E594*.
Identifiers: ClinVar variation 853253 (VCV000853253.7), dbSNP rs2080178937, ClinGen allele CA382535504.
Genomic context (GRCh38, chr11:108,252,009, plus strand): 5'-GAATCAATAATGAAATGGCTCTTATTCTATCAGTTAGAGGGTGACTTAGAAAATAGCACA[G>T]AAGTGCCTCCAATTCTTCACAGGTAATTTAAGTTCATTAGCATGCTGCTGTTTTTTTTGT-3'

ClinVar aggregate classification (germline): Pathogenic (1 of 4 stars; one submission).

Conditions:
Ataxia-telangiectasia syndrome (AT). Also called: Ataxia-telangiectasia, complementation group E; Cerebello-oculocutaneous telangiectasia; Immunodeficiency with ataxia telangiectasia; Ataxia-telangiectasia, complementation group D; AT, COMPLEMENTATION GROUP C; Ataxia-telangiectasia. Identifiers: Orphanet 100, MedGen C0004135, MONDO:0008840, OMIM 208900.

Submission:

Labcorp Genetics (formerly Invitae), Labcorp
Classification: Pathogenic for Ataxia-telangiectasia syndrome. Last evaluated: 2019-03-30. Review status: criteria provided, single submitter. Criteria: Invitae Variant Classification Sherloc (09022015). Collection method: clinical testing. Allele origin: germline.
Comment: This sequence change creates a premature translational stop signal (p.Glu594*) in the ATM gene. It is expected to result in an absent or disrupted protein product. This variant is not present in population databases (ExAC no frequency). This variant has not been reported in the literature in individuals with ATM-related conditions. Loss-of-function variants in ATM are known to be pathogenic (PMID: 23807571, 25614872). For these reasons, this variant has been classified as Pathogenic.

Literature cited by the submitters: PubMed 23807571; PubMed 25614872.